The following is an entry in ClinVar:

NM_001365088.1(SLC12A6):c.2870A>C (p.Lys957Thr)

Gene: SLC12A6 (solute carrier family 12 member 6; minus strand). Cytogenetic location: 15q14.
Variant type: single nucleotide variant.
Coding change: c.2870A>C on transcript NM_001365088.1 (MANE Select); coding-DNA position 2870, A replaced by C.
Protein change: p.Lys957Thr; replaces lysine 957 with threonine.
Molecular consequence: missense variant.
Genome position (GRCh38, 1-based): chr15:34,237,483, T>G on the plus strand (A>C on the coding strand, the complement: SLC12A6 is on the minus strand). VCF-style: chr15-34237483-T-G. GRCh37 (hg19) VCF-style: chr15-34529684-T-G.
Other names: c.2693A>C, p.Lys898Thr (NM_001042494.2, NM_001042495.2); c.2843A>C, p.Lys948Thr (NM_001042496.2); c.2825A>C, p.Lys942Thr (NM_001042497.2); c.2717A>C, p.Lys906Thr (NM_005135.2); c.2870A>C, p.Lys957Thr (NM_133647.2); short protein forms K898T, K957T, K906T, K942T, K948T.
Identifiers: ClinVar variation 1898612 (VCV001898612.5), dbSNP rs2509750103, ClinGen allele CA391618528.

ClinVar aggregate classification (germline): Uncertain significance (1 of 4 stars; one submission).

Allele frequency attached by ClinVar (database versions not stated): gnomAD exomes below 0.00001.
gnomAD v4.1: 1 of 1,612,776 alleles (0.000062%); highest among the groups gnomAD compares: Non-Finnish European, 0.000085%; no homozygotes.

Submission:

Labcorp Genetics (formerly Invitae), Labcorp
Classification: Uncertain significance. Last evaluated: 2022-02-17. Review status: criteria provided, single submitter. Criteria: Invitae Variant Classification Sherloc (09022015). Collection method: clinical testing. Allele origin: germline.
Comment: This sequence change replaces lysine, which is basic and polar, with threonine, which is neutral and polar, at codon 957 of the SLC12A6 protein (p.Lys957Thr). This variant is not present in population databases (gnomAD no frequency). This variant has not been reported in the literature in individuals affected with SLC12A6-related conditions. Advanced modeling of protein sequence and biophysical properties (such as structural, functional, and spatial information, amino acid conservation, physicochemical variation, residue mobility, and thermodynamic stability) performed at Invitae indicates that this missense variant is expected to disrupt SLC12A6 protein function. In summary, the available evidence is currently insufficient to determine the role of this variant in disease. Therefore, it has been classified as a Variant of Uncertain Significance.